The following is an entry in ClinVar:

NM_130384.3(ATRIP):c.590C>T (p.Ala197Val)

Genes: ATRIP (ATR interacting protein; plus strand), ATRIP-TREX1 (ATRIP-TREX1 readthrough; plus strand). Cytogenetic location: 3p21.31.
Variant type: single nucleotide variant.
Coding change: c.590C>T on transcript NM_130384.3 (MANE Select); coding-DNA position 590, C replaced by T.
Protein change: p.Ala197Val; replaces alanine 197 with valine.
Molecular consequence: missense variant. On other transcripts: non-coding transcript variant (1).
Genome position (GRCh38, 1-based): chr3:48,454,337, C>T. VCF-style: chr3-48454337-C-T. GRCh37 (hg19) VCF-style: chr3-48495737-C-T.
Other names: c.209C>T, p.Ala70Val (NM_001271022.2); c.311C>T, p.Ala104Val (NM_001271023.2); c.590C>T, p.Ala197Val (NM_032166.4); short protein forms A104V, A197V, A70V.
Identifiers: ClinVar variation 3976561 (VCV003976561.1).
Genomic context (GRCh38, chr3:48,454,337, plus strand): 5'-AGCATGTTTCTTTTGCCTTCCAGCTCCAATCATTGCAGTCTGAACTCCAGTTTAAAGATG[C>T]AGAGATGAATGAATTAAGGACAAAGCTCCAGACCAGTGAACGAGCAAATAAACTGGCTGC-3'
Protein context (NP_569055.1, residues 187-207): SLQSELQFKD[Ala197Val]EMNELRTKLQ

ClinVar aggregate classification (germline): Uncertain significance (1 of 4 stars; one submission).

gnomAD v4.1: 17 of 1,613,288 alleles (0.0011%); highest among the groups gnomAD compares: South Asian, 0.0044%; no homozygotes.

Submission:

Ambry Genetics
Classification: Uncertain significance. Last evaluated: 2025-05-11. Review status: criteria provided, single submitter. Criteria: Ambry Variant Classification Scheme 2023. Collection method: clinical testing. Allele origin: germline.
Comment: The p.A197V variant (also known as c.590C>T), located in coding exon 4 of the ATRIP gene, results from a C to T substitution at nucleotide position 590. The alanine at codon 197 is replaced by valine, an amino acid with similar properties. This amino acid position is conserved. In addition, this alteration is predicted to be deleterious by in silico analysis. Based on the available evidence, the clinical significance of this variant remains unclear.